The following is an entry in ClinVar:

ClinVar aggregate classification (germline): Pathogenic (1 of 4 stars; one submission).

Conditions:
Leber congenital amaurosis 10 (LCA10). Identifiers: Orphanet 65, MedGen C1857821, MONDO:0012723, OMIM 611755.

Submission:

Institute of Rare Diseases, West China Hospital, Sichuan University
Classification: Pathogenic for Leber congenital amaurosis 10. Review status: criteria provided, single submitter. Criteria: ClinGen HL ACMG Specifications v1. Collection method: research. Allele origin: paternal. Affected: yes.
Comment: This is a sequencing-confirmed tandem duplication of ~39.1 kb encompassing CEP290 exons 31-53 (chr12:88050034-88089159). Identified by trio WGS and validated by gap-PCR/Sanger sequencing, this duplication has not been reported in the literature or major public variant databases, including DGV, gnomAD, and DECIPHER. ACMG classification: Pathogenic (PVS1_Strong, PM2_Supporting, PM3).

Literature cited by the submitters: PubMed 37352859.

Single allele

Genes: CEP290 (centrosomal protein 290; minus strand), RLIG1 (RNA 5'-phosphate and 3'-OH ligase 1; plus strand), LOC129390514 (MPRA-validated peak1864 silencer; plus strand), LOC130008346 (ATAC-STARR-seq lymphoblastoid active region 6699; plus strand). Cytogenetic location: 12q21.32.
Variant type: Duplication.
Identifiers: ClinVar variation 4850980 (VCV004850980.1).